The following is an entry in ClinVar:

ClinVar aggregate classification (germline): Uncertain significance (1 of 4 stars; one submission).

Conditions:
Tay-Sachs disease, variant AB. Also called: Gm2-gangliosidosis, ab variant; GM2 Activator Deficiency. Identifiers: Orphanet 309246, MedGen C0268275, MONDO:0010099, OMIM 272750.

Submission:

Labcorp Genetics (formerly Invitae), Labcorp
Classification: Uncertain significance for Tay-Sachs disease, variant AB. Last evaluated: 2024-07-12. Review status: criteria provided, single submitter. Criteria: Invitae Variant Classification Sherloc (09022015). Collection method: clinical testing. Allele origin: germline.
Comment: This sequence change falls in intron 3 of the GM2A gene. It does not directly change the encoded amino acid sequence of the GM2A protein. It affects a nucleotide within the consensus splice site. This variant is not present in population databases (gnomAD no frequency). This variant has not been reported in the literature in individuals affected with GM2A-related conditions. Variants that disrupt the consensus splice site are a relatively common cause of aberrant splicing (PMID: 17576681, 9536098). Algorithms developed to predict the effect of sequence changes on RNA splicing suggest that this variant is not likely to affect RNA splicing. In summary, the available evidence is currently insufficient to determine the role of this variant in disease. Therefore, it has been classified as a Variant of Uncertain Significance.

Literature cited by the submitters: PubMed 17576681; PubMed 9536098.

NM_000405.5(GM2A):c.426+6T>C

Gene: GM2A (ganglioside GM2 activator; plus strand). Cytogenetic location: 5q33.1.
Variant type: single nucleotide variant.
Coding change: c.426+6T>C on transcript NM_000405.5 (MANE Select); 6 bases into the intron after coding-DNA position 426, T replaced by C.
Molecular consequence: intron variant.
Genome position (GRCh38, 1-based): chr5:151,266,919, T>C. VCF-style: chr5-151266919-T-C. GRCh37 (hg19) VCF-style: chr5-150646480-T-C.
Other names: c.412+20T>C (NM_001167607.3).
Identifiers: ClinVar variation 3656057 (VCV003656057.2).